The following is an entry in ClinVar:

ClinVar aggregate classification (germline): Uncertain significance (1 of 4 stars; one submission).

Conditions:
Hereditary cancer-predisposing syndrome. Also called: Neoplastic Syndromes, Hereditary; Tumor predisposition; Hereditary neoplastic syndrome; Hereditary Cancer Syndrome. Identifiers: Orphanet 140162, MedGen C0027672, MeSH D009386, MONDO:0015356.

Submission:

Ambry Genetics
Classification: Uncertain significance for Hereditary cancer-predisposing syndrome. Last evaluated: 2026-07-07. Review status: criteria provided, single submitter. Criteria: Ambry Variant Classification Scheme 2023. Collection method: clinical testing. Allele origin: germline.
Comment: The p.L426Q variant (also known as c.1277T>A), located in coding exon 5 of the AXIN2 gene, results from a T to A substitution at nucleotide position 1277. The leucine at codon 426 is replaced by glutamine, an amino acid with dissimilar properties. This amino acid position is conserved. In addition, the in silico prediction for this alteration is inconclusive. Based on the available evidence, the clinical significance of this variant remains unclear.

NM_004655.4(AXIN2):c.1277T>A (p.Leu426Gln)

Gene: AXIN2 (axin 2; minus strand). Cytogenetic location: 17q24.1.
Variant type: single nucleotide variant.
Coding change: c.1277T>A on transcript NM_004655.4 (MANE Select); coding-DNA position 1277, T replaced by A.
Protein change: p.Leu426Gln; replaces leucine 426 with glutamine.
Molecular consequence: missense variant.
Genome position (GRCh38, 1-based): chr17:65,537,759, A>T on the plus strand (T>A on the coding strand, the complement: AXIN2 is on the minus strand). VCF-style: chr17-65537759-A-T. GRCh37 (hg19) VCF-style: chr17-63533877-A-T.
Other names: c.1277T>A, p.Leu426Gln (NM_001363813.1); short protein forms L426Q.
Identifiers: ClinVar variation 5032648 (VCV005032648.1).